The following is an entry in ClinVar:

ClinVar aggregate classification (germline): Uncertain significance (1 of 4 stars; one submission).

Conditions:
OTULIN-related disorder. Also called: OTULIN-related condition.

gnomAD v4.1: 5 of 1,613,948 alleles (0.00031%); highest among the groups gnomAD compares: Non-Finnish European, 0.00034%; no homozygotes.

Submission:

PreventionGenetics, part of Exact Sciences
Classification: Uncertain significance for OTULIN-related condition. Last evaluated: 2024-12-17. Review status: criteria provided, single submitter. Criteria: ACMG Guidelines, 2015. Collection method: clinical testing. Allele origin: germline.
Comment: The OTULIN c.437C>T variant is predicted to result in the amino acid substitution p.Pro146Leu. To our knowledge, this variant has not been reported in the literature or in a large population database (gnomAD), indicating this variant is rare. At this time, the clinical significance of this variant is uncertain due to the absence of conclusive functional and genetic evidence.

NM_138348.6(OTULIN):c.437C>T (p.Pro146Leu)

Gene: OTULIN (OTU deubiquitinase with linear linkage specificity; plus strand). Cytogenetic location: 5p15.2.
Variant type: single nucleotide variant.
Coding change: c.437C>T on transcript NM_138348.6 (MANE Select); coding-DNA position 437, C replaced by T.
Protein change: p.Pro146Leu; replaces proline 146 with leucine.
Molecular consequence: missense variant.
Genome position (GRCh38, 1-based): chr5:14,681,576, C>T. VCF-style: chr5-14681576-C-T. GRCh37 (hg19) VCF-style: chr5-14681685-C-T.
Other names: short protein forms P146L.
Identifiers: ClinVar variation 4998918 (VCV004998918.1).